The following is an entry in ClinVar:

ClinVar aggregate classification (germline): Uncertain significance (1 of 4 stars; one submission).

Submission:

GeneDx
Classification: Uncertain significance. Last evaluated: 2024-07-02. Review status: criteria provided, single submitter. Criteria: GeneDx Variant Classification Process June 2021. Collection method: clinical testing. Allele origin: germline. Affected: yes.
Comment: Not observed at significant frequency in large population cohorts (gnomAD); In silico analysis supports a deleterious effect on splicing; Has not been previously published as pathogenic or benign to our knowledge

NM_170665.4(ATP2A2):c.545-7C>A

Gene: ATP2A2 (ATPase sarcoplasmic/endoplasmic reticulum Ca2+ transporting 2; plus strand). Cytogenetic location: 12q24.11.
Variant type: single nucleotide variant.
Coding change: c.545-7C>A on transcript NM_170665.4 (MANE Select); 7 bases into the intron before coding-DNA position 545, C replaced by A.
Molecular consequence: intron variant.
Genome position (GRCh38, 1-based): chr12:110,326,383, C>A. VCF-style: chr12-110326383-C-A. GRCh37 (hg19) VCF-style: chr12-110764188-C-A.
Other names: c.170-7C>A (NM_001413015.1); c.545-7C>A (NM_001413014.1, NM_001681.4); c.440-7C>A (NM_001413013.1).
Identifiers: ClinVar variation 3393839 (VCV003393839.1).